The following is an entry in ClinVar:

NM_003193.5(TBCE):c.186-2A>G

Gene: TBCE (tubulin folding cofactor E; plus strand). Cytogenetic location: 1q42.3.
Variant type: single nucleotide variant.
Coding change: c.186-2A>G on transcript NM_003193.5 (MANE Select); the canonical splice acceptor site of the intron before coding-DNA position 186, A replaced by G.
Molecular consequence: splice acceptor variant.
Genome position (GRCh38, 1-based): chr1:235,414,431, A>G. VCF-style: chr1-235414431-A-G. GRCh37 (hg19) VCF-style: chr1-235577746-A-G.
Other names: c.186-2A>G (NM_001079515.3, NM_001287801.2); c.-210-2A>G (NM_001287802.2).
Identifiers: ClinVar variation 2862590 (VCV002862590.3), dbSNP rs2526937956, ClinGen allele CA344922705.

ClinVar aggregate classification (germline): Likely pathogenic (1 of 4 stars; one submission).

Submission:

Labcorp Genetics (formerly Invitae), Labcorp
Classification: Likely pathogenic. Last evaluated: 2023-05-16. Review status: criteria provided, single submitter. Criteria: Invitae Variant Classification Sherloc (09022015). Collection method: clinical testing. Allele origin: germline.
Comment: This sequence change affects an acceptor splice site in intron 3 of the TBCE gene. It is expected to disrupt RNA splicing. Variants that disrupt the donor or acceptor splice site typically lead to a loss of protein function (PMID: 16199547), and loss-of-function variants in TBCE are known to be pathogenic (PMID: 27666369, 34134906, 34356170). In summary, the currently available evidence indicates that the variant is pathogenic, but additional data are needed to prove that conclusively. Therefore, this variant has been classified as Likely Pathogenic. Algorithms developed to predict the effect of sequence changes on RNA splicing suggest that this variant may disrupt the consensus splice site. This variant has not been reported in the literature in individuals affected with TBCE-related conditions. This variant is not present in population databases (gnomAD no frequency).

Literature cited by the submitters: PubMed 16199547; PubMed 27666369; PubMed 34134906; PubMed 34356170.